The following is an entry in ClinVar:

NM_007294.4(BRCA1):c.4281C>G (p.Asn1427Lys)

Gene: BRCA1 (BRCA1 DNA repair associated; minus strand). Cytogenetic location: 17q21.31.
Variant type: single nucleotide variant.
Coding change: c.4281C>G on transcript NM_007294.4 (MANE Select); coding-DNA position 4281, C replaced by G.
Protein change: p.Asn1427Lys; replaces asparagine 1427 with lysine.
Molecular consequence: missense variant. On other transcripts: non-coding transcript variant (1).
Genome position (GRCh38, 1-based): chr17:43,082,480, G>C on the plus strand (C>G on the coding strand, the complement: BRCA1 is on the minus strand). VCF-style: chr17-43082480-G-C. GRCh37 (hg19) VCF-style: chr17-41234497-G-C.
Other names: c.1674C>G, p.Asn558Lys (NM_001407969.1); c.972C>G, p.Asn324Lys (NM_001407975.1, NM_001407976.1, NM_001407974.1 and 9 more transcripts); c.969C>G, p.Asn323Lys (NM_001407972.1, NM_001407979.1, NM_001407980.1 and 18 more transcripts); c.4281C>G, p.Asn1427Lys (NM_001407597.1, NM_001407598.1, NM_001407602.1 and 23 more transcripts); c.4278C>G, p.Asn1426Lys (NM_001407610.1, NM_001407611.1, NM_001407612.1 and 21 more transcripts); c.4275C>G, p.Asn1425Lys (NM_001407627.1, NM_001407628.1, NM_001407629.1 and 5 more transcripts); c.4269C>G, p.Asn1423Lys (NM_001407646.1, NM_001407647.1); c.4158C>G, p.Asn1386Lys (NM_001407648.1, NM_001407664.1, NM_001407665.1 and 13 more transcripts); and 51 more; short protein forms N1300K, N1337K, N1357K, N1379K, N1426K, N213K, N214K, N215K.
Identifiers: ClinVar variation 1739351 (VCV001739351.2), dbSNP rs1348911931, ClinGen allele CA10593160.

ClinVar aggregate classification (germline): Uncertain significance (1 of 4 stars; one submission).

Conditions:
Hereditary cancer-predisposing syndrome. Also called: Hereditary Cancer Syndrome; Hereditary neoplastic syndrome; Neoplastic Syndromes, Hereditary; Tumor predisposition. Identifiers: Orphanet 140162, MedGen C0027672, MeSH D009386, MONDO:0015356.

Allele frequency attached by ClinVar (database versions not stated): TOPMed below 0.00001.

Submission:

Ambry Genetics
Classification: Uncertain significance for Hereditary cancer-predisposing syndrome. Last evaluated: 2023-10-13. Review status: criteria provided, single submitter. Criteria: Ambry Variant Classification Scheme 2023. Collection method: clinical testing. Allele origin: germline.
Comment: The p.N1427K variant (also known as c.4281C>G), located in coding exon 11 of the BRCA1 gene, results from a C to G substitution at nucleotide position 4281. The asparagine at codon 1427 is replaced by lysine, an amino acid with similar properties. This amino acid position is poorly conserved in available vertebrate species. In addition, this alteration is predicted to be tolerated by in silico analysis. Since supporting evidence is limited at this time, the clinical significance of this alteration remains unclear.